The following is an entry in ClinVar:

ClinVar aggregate classification (germline): Uncertain significance (1 of 4 stars; one submission).

Conditions:
Familial thoracic aortic aneurysm and aortic dissection (TAAD). Also called: Thoracic aortic aneurysms and dissections. Identifiers: Orphanet 91387, MedGen C4707243, MONDO:0019625.

gnomAD v4.1: 5 of 1,592,204 alleles (0.00031%); highest among the groups gnomAD compares: African/African-American, 0.0014%; no homozygotes.

Submission:

Ambry Genetics
Classification: Uncertain significance for Familial thoracic aortic aneurysm and aortic dissection. Last evaluated: 2026-03-26. Review status: criteria provided, single submitter. Criteria: Ambry Variant Classification Scheme 2023. Collection method: clinical testing. Allele origin: germline.
Comment: The c.4289-3C>G intronic variant results from a C to G substitution 3 nucleotides upstream from coding exon 22 in the MYLK gene. This variant was reported in individual(s) with features consistent with MYLK-related thoracic aortic aneurysm and/or dissection (Murdock DR et al. NPJ Genom Med, 2025 Mar;10:25). This nucleotide position is highly conserved in available vertebrate species. In silico splice site analysis predicts that this alteration may weaken the native splice acceptor site and may result in the creation or strengthening of a novel splice acceptor site. Based on the available evidence, the clinical significance of this variant remains unclear.

Literature cited by the submitters: PubMed 40118890.

NM_053025.4(MYLK):c.4289-3C>G

Gene: MYLK (myosin light chain kinase; minus strand). Cytogenetic location: 3q21.1.
Variant type: single nucleotide variant.
Coding change: c.4289-3C>G on transcript NM_053025.4 (MANE Select); 3 bases into the intron before coding-DNA position 4289, C replaced by G.
Molecular consequence: intron variant.
Genome position (GRCh38, 1-based): chr3:123,649,197, G>C on the plus strand (C>G on the coding strand, the complement: MYLK is on the minus strand). VCF-style: chr3-123649197-G-C. GRCh37 (hg19) VCF-style: chr3-123368044-G-C.
Other names: c.3761-3C>G (NM_001321309.2); c.4082-3C>G (NM_053028.4, NM_053026.4); c.4289-3C>G (NM_053027.4).
Identifiers: ClinVar variation 4860611 (VCV004860611.1).